The following is an entry in ClinVar:

NM_002691.4(POLD1):c.2760C>A (p.Asp920Glu)

Gene: POLD1 (DNA polymerase delta 1, catalytic subunit; plus strand). Cytogenetic location: 19q13.33.
Variant type: single nucleotide variant.
Coding change: c.2760C>A on transcript NM_002691.4 (MANE Select); coding-DNA position 2760, C replaced by A.
Protein change: p.Asp920Glu; replaces aspartic acid 920 with glutamic acid.
Molecular consequence: missense variant.
Genome position (GRCh38, 1-based): chr19:50,415,766, C>A. VCF-style: chr19-50415766-C-A. GRCh37 (hg19) VCF-style: chr19-50919023-C-A.
Other names: c.2760C>A, p.Asp920Glu (NM_001256849.1); c.2838C>A, p.Asp946Glu (NM_001308632.1); short protein forms D920E, D946E.
Identifiers: ClinVar variation 1795686 (VCV001795686.4), dbSNP rs1057521209, ClinGen allele CA406985939.

ClinVar aggregate classification (germline): Uncertain significance. Review status: criteria provided, multiple submitters, no conflicts (2 of 4 stars). 2 submissions from 2 submitters: Uncertain significance (2). Last evaluated 2025-10-09.

Conditions:
POLD1-related polyposis and colorectal cancer syndrome (CRCS10). Also called: Colorectal cancer 10; COLORECTAL CANCER, SUSCEPTIBILITY TO, ON CHROMOSOME 19q; Colorectal cancer, susceptibility to, 10. Identifiers: Orphanet 220460, MedGen C2675481, MONDO:0012953, OMIM 612591.
Hereditary cancer-predisposing syndrome. Also called: Tumor predisposition; Hereditary Cancer Syndrome; Hereditary neoplastic syndrome; Neoplastic Syndromes, Hereditary. Identifiers: Orphanet 140162, MedGen C0027672, MeSH D009386, MONDO:0015356.

Submissions (2):

Labcorp Genetics (formerly Invitae), Labcorp
Classification: Uncertain significance for POLD1-related polyposis and colorectal cancer syndrome. Last evaluated: 2025-10-09. Review status: criteria provided, single submitter. Criteria: Invitae Variant Classification Sherloc (09022015). Collection method: clinical testing. Allele origin: germline.
Comment: This sequence change replaces aspartic acid, which is acidic and polar, with glutamic acid, which is acidic and polar, at codon 920 of the POLD1 protein (p.Asp920Glu). This variant is not present in population databases (gnomAD no frequency). This variant has not been reported in the literature in individuals affected with POLD1-related conditions. ClinVar contains an entry for this variant (Variation ID: 1795686). Invitae Evidence Modeling of protein sequence and biophysical properties (such as structural, functional, and spatial information, amino acid conservation, physicochemical variation, residue mobility, and thermodynamic stability) indicates that this missense variant is not expected to disrupt POLD1 protein function with a negative predictive value of 80%. In summary, the available evidence is currently insufficient to determine the role of this variant in disease. Therefore, it has been classified as a Variant of Uncertain Significance.

Ambry Genetics
Classification: Uncertain significance for Hereditary cancer-predisposing syndrome. Last evaluated: 2022-10-27. Review status: criteria provided, single submitter. Criteria: Ambry Variant Classification Scheme 2023. Collection method: clinical testing. Allele origin: germline.
Comment: The p.D920E variant (also known as c.2760C>A), located in coding exon 21 of the POLD1 gene, results from a C to A substitution at nucleotide position 2760. The aspartic acid at codon 920 is replaced by glutamic acid, an amino acid with highly similar properties. This amino acid position is conserved. In addition, this alteration is predicted to be tolerated by in silico analysis. Since supporting evidence is limited at this time, the clinical significance of this alteration remains unclear.